The following is an entry in ClinVar:

NM_024675.4(PALB2):c.3444T>C (p.Thr1148=)

Gene: PALB2 (partner and localizer of BRCA2; minus strand). Cytogenetic location: 16p12.2.
Variant type: single nucleotide variant.
Coding change: c.3444T>C on transcript NM_024675.4 (MANE Select); coding-DNA position 3444, T replaced by C.
Protein change: p.Thr1148=; no amino-acid change (threonine 1148 retained).
Molecular consequence: synonymous variant.
Genome position (GRCh38, 1-based): chr16:23,603,576, A>G on the plus strand (T>C on the coding strand, the complement: PALB2 is on the minus strand). VCF-style: chr16-23603576-A-G. GRCh37 (hg19) VCF-style: chr16-23614897-A-G.
Identifiers: ClinVar variation 511935 (VCV000511935.13), dbSNP rs778512231, ClinGen allele CA7963335.
Genomic context (GRCh38, chr16:23,603,576, plus strand): 5'-GTCTGTACCCGACCATTTCACAAAAGACCAATGTTGGTCAGAGACAGGTGGGAGGAGGGC[A>G]GTACACTGACCGAGAAGTAAGTCCCAAATGGCAATTGTTCCAGAAGTCAAGATTGCTGCT-3'
Protein context (NP_078951.2, residues 1138-1158): AIWDLLLGQC[Thr1148=]ALLPPVSDQH

ClinVar aggregate classification (germline): Benign/Likely benign. Review status: criteria provided, multiple submitters, no conflicts (2 of 4 stars). 4 submissions from 4 submitters: Benign (1); Likely benign (3). Last evaluated 2026-01-07.

Conditions:
Familial cancer of breast. Also called: BREAST CANCER, FAMILIAL; hereditary breast carcinoma; Hereditary breast cancer. Identifiers: Orphanet 227535, MedGen C0346153, MONDO:0016419, OMIM 114480. Disease mechanism: loss of function.
Hereditary cancer-predisposing syndrome. Also called: Hereditary Cancer Syndrome; Neoplastic Syndromes, Hereditary; Tumor predisposition; Hereditary neoplastic syndrome. Identifiers: Orphanet 140162, MedGen C0027672, MeSH D009386, MONDO:0015356.

gnomAD v4.1: 1 of 1,614,202 alleles (0.000062%); highest among the groups gnomAD compares: East Asian, 0.0022%; no homozygotes.

Submissions (4):

Labcorp Genetics (formerly Invitae), Labcorp
Classification: Likely benign for Familial cancer of breast. Last evaluated: 2026-01-07. Review status: criteria provided, single submitter. Criteria: Invitae Variant Classification Sherloc (09022015). Collection method: clinical testing. Allele origin: germline.

Myriad Genetics, Inc.
Classification: Benign for Familial cancer of breast. Last evaluated: 2025-01-22. Review status: criteria provided, single submitter. Criteria: Myriad Autosomal Dominant, Autosomal Recessive and X-Linked Classification Criteria (2023). Collection method: clinical testing. Allele origin: unknown.
Comment: This variant is considered benign. This variant is a silent/synonymous amino acid change and it is not expected to impact splicing.

Ambry Genetics
Classification: Likely benign for Hereditary cancer-predisposing syndrome. Last evaluated: 2024-05-20. Review status: criteria provided, single submitter. Criteria: Ambry Variant Classification Scheme 2023. Collection method: clinical testing. Allele origin: germline.

GeneDx
Classification: Likely benign. Last evaluated: 2017-09-05. Review status: criteria provided, single submitter. Criteria: GeneDx Variant Classification (06012015). Collection method: clinical testing. Allele origin: germline. Affected: yes.
Comment: This variant is considered likely benign or benign based on one or more of the following criteria: it is a conservative change, it occurs at a poorly conserved position in the protein, it is predicted to be benign by multiple in silico algorithms, and/or has population frequency not consistent with disease.